The following is an entry in ClinVar:

NM_018946.4(NANS):c.32G>T (p.Arg11Leu)

Genes: NANS (N-acetylneuraminate synthase; plus strand), TRIM14 (tripartite motif containing 14; minus strand). Cytogenetic location: 9q22.33.
Variant type: single nucleotide variant.
Coding change: c.32G>T on transcript NM_018946.4 (MANE Select); coding-DNA position 32, G replaced by T.
Protein change: p.Arg11Leu; replaces arginine 11 with leucine.
Molecular consequence: missense variant.
Genome position (GRCh38, 1-based): chr9:98,056,840, G>T. VCF-style: chr9-98056840-G-T. GRCh37 (hg19) VCF-style: chr9-100819122-G-T.
Other names: short protein forms R11L.
Identifiers: ClinVar variation 1969891 (VCV001969891.5), dbSNP rs1455036524, ClinGen allele CA374193071.

ClinVar aggregate classification (germline): Uncertain significance (1 of 4 stars; one submission).

Submission:

Labcorp Genetics (formerly Invitae), Labcorp
Classification: Uncertain significance. Last evaluated: 2022-05-19. Review status: criteria provided, single submitter. Criteria: Invitae Variant Classification Sherloc (09022015). Collection method: clinical testing. Allele origin: germline.
Comment: In summary, the available evidence is currently insufficient to determine the role of this variant in disease. Therefore, it has been classified as a Variant of Uncertain Significance. Algorithms developed to predict the effect of missense changes on protein structure and function (SIFT, PolyPhen-2, Align-GVGD) all suggest that this variant is likely to be disruptive. This variant has not been reported in the literature in individuals affected with NANS-related conditions. This variant is not present in population databases (gnomAD no frequency). This sequence change replaces arginine, which is basic and polar, with leucine, which is neutral and non-polar, at codon 11 of the NANS protein (p.Arg11Leu).